The following is an entry in ClinVar:

NM_031475.3(ESPN):c.2346del (p.Leu783fs)

Gene: ESPN (espin; plus strand). Cytogenetic location: 1p36.31.
Variant type: Deletion.
Coding change: c.2346del on transcript NM_031475.3 (MANE Select); coding-DNA position 2346, one base deleted (G; older notation c.2346delG).
Protein change: p.Leu783fs; shifts the reading frame from leucine 783.
Molecular consequence: frameshift variant.
Genome position (GRCh38, 1-based): chr1:6,457,204, G deleted; the last of 2 consecutive G bases (chr1:6,457,203-6,457,204); deleting either gives the same sequence. VCF-style (leftmost placement, unchanged base first): chr1-6457202-CG-C. GRCh37 (hg19) VCF-style: chr1-6517262-CG-C.
Other names: c.2256del, p.Leu753fs (NM_001367473.1); c.2283del, p.Leu762fs (NM_001367474.1); short protein forms L783fs, L753fs, L762fs.
Identifiers: ClinVar variation 2996659 (VCV002996659.4), dbSNP rs2522955901, ClinGen allele CA2642993672.

ClinVar aggregate classification (germline): Conflicting classifications of pathogenicity. Review status: criteria provided, conflicting classifications (1 of 4 stars). 2 submissions from 2 submitters: Likely pathogenic (1); Uncertain significance (1). Last evaluated 2024-09-15.

Conditions:
ESPN-related disorder. Also called: ESPN-related condition.

Submissions (2):

Labcorp Genetics (formerly Invitae), Labcorp
Classification: Uncertain significance. Last evaluated: 2024-09-15. Review status: criteria provided, single submitter. Criteria: Invitae Variant Classification Sherloc (09022015). Collection method: clinical testing. Allele origin: germline.
Comment: This sequence change creates a premature translational stop signal (p.Leu783Trpfs*64) in the ESPN gene. While this is not anticipated to result in nonsense mediated decay, it is expected to disrupt the last 72 amino acid(s) of the ESPN protein. This variant is not present in population databases (gnomAD no frequency). This variant has not been reported in the literature in individuals affected with ESPN-related conditions. In summary, the available evidence is currently insufficient to determine the role of this variant in disease. Therefore, it has been classified as a Variant of Uncertain Significance.

Blueprint Genetics
Classification: Likely pathogenic for ESPN-related disorders. Last evaluated: 2021-12-16. Review status: criteria provided, single submitter. Criteria: ACMG Guidelines, 2015. Collection method: clinical testing. Allele origin: germline. Affected: yes. Observed: 1 variant allele.